The following is an entry in ClinVar:

NC_000023.11:g.(?_123885637)_(123892793_?)del

Gene: XIAP (X-linked inhibitor of apoptosis; plus strand). Cytogenetic location: Xq25.
Variant type: Deletion.
Identifiers: ClinVar variation 584339 (VCV000584339.5).

ClinVar aggregate classification (germline): Pathogenic (1 of 4 stars; one submission).

Conditions:
X-linked lymphoproliferative disease due to XIAP deficiency. Also called: XIAP DEFICIENCY; XIAP-Related Lymphoproliferative Disease, X-Linked. Identifiers: Orphanet 2442, Orphanet 538934, MedGen C1845076, MONDO:0010385, OMIM 300635.

Submission:

Labcorp Genetics (formerly Invitae), Labcorp
Classification: Pathogenic for X-linked lymphoproliferative disease due to XIAP deficiency. Last evaluated: 2018-06-02. Review status: criteria provided, single submitter. Criteria: Invitae Variant Classification Sherloc (09022015). Collection method: clinical testing. Allele origin: germline.
Comment: Loss-of-function variants in XIAP are known to be pathogenic (PMID: 17080092, 21119115, 25666262). Deletions of exons 2-5 have not been reported in the literature in individuals with XIAP-related disease; however, smaller deletions encompassed within this larger event that include the initiator codon have been reported in individuals affected with X-linked lymphoproliferative syndrome (PMID:¬†27815752,¬†17080092). For these reasons, this variant has been classified as Pathogenic. This variant is a gross deletion of the genomic region encompassing exons 2-5 of the XIAP gene, which includes the initiator codon. The 5' end of this event is unknown as it extends beyond the assayed region for this gene and therefore may encompass additional genes. The 3' boundary is likely confined to intron 5 of the XIAP gene. This is expected to result in an absent or disrupted protein product.

Literature cited by the submitters: PubMed 17080092; PubMed 21119115; PubMed 25666262.